The following is an entry in ClinVar:

NM_001370259.2(MEN1):c.681C>A (p.Tyr227Ter)

Gene: MEN1 (menin 1; minus strand). Cytogenetic location: 11q13.1.
Variant type: single nucleotide variant.
Coding change: c.681C>A on transcript NM_001370259.2 (MANE Select); coding-DNA position 681, C replaced by A.
Protein change: p.Tyr227Ter; replaces tyrosine 227 with a stop codon.
Molecular consequence: nonsense.
Genome position (GRCh38, 1-based): chr11:64,807,654, G>T on the plus strand (C>A on the coding strand, the complement: MEN1 is on the minus strand). VCF-style: chr11-64807654-G-T. GRCh37 (hg19) VCF-style: chr11-64575126-G-T.
Other names: c.696C>A, p.Tyr232Ter (NM_000244.4, NM_130800.3, NM_130801.3 and 3 more transcripts); c.681C>A, p.Tyr227Ter (NM_001370251.2, NM_001370260.2, NM_001370261.2 and 1 more transcripts); c.576C>A, p.Tyr192Ter (NM_001370262.2, NM_001370263.2); short protein forms Y227*, Y232*, Y192*.
Identifiers: ClinVar variation 457331 (VCV000457331.12), dbSNP rs778921501, ClinGen allele CA381184686.
Genomic context (GRCh38, chr11:64,807,654, plus strand): 5'-AATGGAAGGGTTGATGGCACACACCATGAACGCCACCTCCATCTTGCGGTCACAGCGCAT[G>T]TATGATCCTTTCAGGTACAGCCAGCTCTTAGGGGGGGATGAGATCATTATGTCTCATGAT-3'

ClinVar aggregate classification (germline): Pathogenic. Review status: criteria provided, multiple submitters, no conflicts (2 of 4 stars). 2 submissions from 2 submitters: Pathogenic (2). Last evaluated 2025-04-14.

Conditions:
Multiple endocrine neoplasia, type 1 (MEN1). Also called: MEN I; WERMER SYNDROME; Endocrine adenomatosis multiple; MEN 1; MEA I. Identifiers: Orphanet 652, MedGen C0025267, MeSH D018761, MONDO:0007540, OMIM 131100.

Submissions (2):

Labcorp Genetics (formerly Invitae), Labcorp
Classification: Pathogenic for Multiple endocrine neoplasia, type 1. Last evaluated: 2025-04-14. Review status: criteria provided, single submitter. Criteria: Invitae Variant Classification Sherloc (09022015). Collection method: clinical testing. Allele origin: germline.
Comment: This sequence change creates a premature translational stop signal (p.Tyr227*) in the MEN1 gene. It is expected to result in an absent or disrupted protein product. Loss-of-function variants in MEN1 are known to be pathogenic (PMID: 12112656, 17853334). This variant is not present in population databases (gnomAD no frequency). This premature translational stop signal has been observed in individual(s) with multiple endocrine neoplasia type 1 (PMID: 9709921). ClinVar contains an entry for this variant (Variation ID: 457331). For these reasons, this variant has been classified as Pathogenic.

Clinical Genetics and Genomics, Karolinska University Hospital
Classification: Pathogenic. Last evaluated: 2014-06-26. Review status: criteria provided, single submitter. Criteria: ACMG Guidelines, 2015. Collection method: clinical testing. Allele origin: germline. Affected: yes. Observed: 2 variant alleles.

Literature cited by the submitters: PubMed 12112656 (cited by Labcorp Genetics (formerly Invitae), Labcorp); PubMed 17853334 (cited by Labcorp Genetics (formerly Invitae), Labcorp); PubMed 9709921 (cited by Labcorp Genetics (formerly Invitae), Labcorp).